The following is an entry in ClinVar:

ClinVar aggregate classification (germline): Benign/Likely benign. Review status: criteria provided, multiple submitters, no conflicts (2 of 4 stars). 4 submissions from 4 submitters: Benign (1); Likely benign (3). Last evaluated 2026-05-14.

Conditions:
Neurofibromatosis, type 1 (NF1). Also called: NEUROFIBROMATOSIS, TYPE I, SOMATIC; Peripheral type neurofibromatosis; VON RECKLINGHAUSEN DISEASE; Neurofibromatosis, type I. Identifiers: Orphanet 636, MedGen C0027831, MONDO:0018975, OMIM 162200. Disease mechanism: loss of function.
Cardiovascular phenotype. Identifiers: MedGen CN230736.
Hereditary cancer-predisposing syndrome. Also called: Tumor predisposition; Hereditary Cancer Syndrome; Hereditary neoplastic syndrome; Neoplastic Syndromes, Hereditary. Identifiers: Orphanet 140162, MedGen C0027672, MeSH D009386, MONDO:0015356.

Submissions (4):

Myriad Genetics, Inc.
Classification: Benign for Neurofibromatosis, type 1. Last evaluated: 2026-05-14. Review status: criteria provided, single submitter. Criteria: Myriad Autosomal Dominant, Autosomal Recessive and X-Linked Classification Criteria (2023). Collection method: clinical testing. Allele origin: unknown.
Comment: This variant is considered benign. This variant is a silent/synonymous amino acid change and it is not expected to impact splicing.

Genome-Nilou Lab
Classification: Likely benign for Neurofibromatosis, type 1. Last evaluated: 2022-03-15. Review status: criteria provided, single submitter. Criteria: ACMG Guidelines, 2015. Collection method: clinical testing. Allele origin: germline. Affected: no.

Labcorp Genetics (formerly Invitae), Labcorp
Classification: Likely benign for Neurofibromatosis, type 1. Last evaluated: 2021-11-23. Review status: criteria provided, single submitter. Criteria: Invitae Variant Classification Sherloc (09022015). Collection method: clinical testing. Allele origin: germline.

Ambry Genetics
Classification: Likely benign for Cardiovascular phenotype; Hereditary cancer-predisposing syndrome. Last evaluated: 2019-04-03. Review status: criteria provided, single submitter. Criteria: Ambry Variant Classification Scheme 2023. Collection method: clinical testing. Allele origin: germline.

NM_001042492.3(NF1):c.243C>T (p.Leu81=)

Gene: NF1 (neurofibromin 1; plus strand). Cytogenetic location: 17q11.2.
Variant type: single nucleotide variant.
Coding change: c.243C>T on transcript NM_001042492.3 (MANE Select); coding-DNA position 243, C replaced by T.
Protein change: p.Leu81=; no amino-acid change (leucine 81 retained).
Molecular consequence: synonymous variant.
Genome position (GRCh38, 1-based): chr17:31,159,048, C>T. VCF-style: chr17-31159048-C-T. GRCh37 (hg19) VCF-style: chr17-29486066-C-T.
Other names: c.243C>T, p.Leu81= (NM_000267.4, NM_001128147.3).
Identifiers: ClinVar variation 821276 (VCV000821276.13), dbSNP rs1597629805, ClinGen allele CA499232841.